The following is an entry in ClinVar:

NM_001371928.1(AHDC1):c.1750G>C (p.Val584Leu)

Gene: AHDC1 (AT-hook DNA binding motif containing 1; minus strand). Cytogenetic location: 1p36.11.
Variant type: single nucleotide variant.
Coding change: c.1750G>C on transcript NM_001371928.1 (MANE Select); coding-DNA position 1750, G replaced by C.
Protein change: p.Val584Leu; replaces valine 584 with leucine.
Molecular consequence: missense variant.
Genome position (GRCh38, 1-based): chr1:27,550,366, C>G on the plus strand (G>C on the coding strand, the complement: AHDC1 is on the minus strand). VCF-style: chr1-27550366-C-G. GRCh37 (hg19) VCF-style: chr1-27876877-C-G.
Other names: c.1750G>C, p.Val584Leu (NM_001029882.3); short protein forms V584L.
Identifiers: ClinVar variation 4075765 (VCV004075765.1).

ClinVar aggregate classification (germline): Uncertain significance (1 of 4 stars; one submission).

Conditions:
AHDC1-related intellectual disability - obstructive sleep apnea - mild dysmorphism syndrome. Also called: Xia-Gibbs syndrome. Identifiers: Orphanet 412069, MedGen C4014419, MONDO:0014358, OMIM 615829.

Submission:

GeNE CliniK, Regional Hospital Limbe
Classification: Uncertain significance for AHDC1-related intellectual disability - obstructive sleep apnea - mild dysmorphism syndrome. Last evaluated: 2025-07-01. Review status: criteria provided, single submitter. Criteria: ACMG Guidelines, 2015. Collection method: research. Allele origin: de novo. Inheritance: Autosomal dominant inheritance. Affected: no.
Comment: The NM_001371928.1:c.1750G>C variant in AHDC1 is a heterozygous missense change predicted to result in the substitution of valine with leucine at codon 584 (p.Val584Leu). This variant is absent from gnomAD (PM2) and is not reported in the literature or major databases to date. In silico predictive tools suggest a tolerated effect on protein function (BP4). Based on ACMG/AMP criteria (PM2, BP4, PS2), this variant was classified as a Variant of Uncertain Significance (VUS).